The following is an entry in ClinVar:

NM_006531.5(IFT88):c.2030dup (p.Tyr677Ter)

Gene: IFT88 (intraflagellar transport 88; plus strand). Cytogenetic location: 13q12.11.
Variant type: Duplication.
Coding change: c.2030dup on transcript NM_006531.5 (MANE Select); coding-DNA position 2030, one base duplicated (A; older notation c.2030dupA).
Protein change: p.Tyr677Ter; replaces tyrosine 677 with a stop codon.
Molecular consequence: nonsense. On other transcripts: non-coding transcript variant (5).
Genome position (GRCh38, 1-based): chr13:20,656,392, A duplicated. VCF-style (leftmost placement, unchanged base first): chr13-20656391-T-TA. GRCh37 (hg19) VCF-style: chr13-21230530-T-TA.
Other names: c.1973dup, p.Tyr658Ter (NM_001318491.2, NM_001353575.2); c.2057dup, p.Tyr686Ter (NM_001318493.2, NM_001353565.2, NM_001353566.2 and 2 more transcripts); c.2030dup, p.Tyr677Ter (NM_001353568.2, NM_001353572.2); c.1955dup, p.Tyr652Ter (NM_001353569.2, NM_001353570.2, NM_001353576.2 and 1 more transcripts); c.1928dup, p.Tyr643Ter (NM_001353571.2, NM_001353578.2); c.1886dup, p.Tyr629Ter (NM_001353573.2); c.1871dup, p.Tyr624Ter (NM_001353574.2); c.1397dup, p.Tyr466Ter (NM_001353579.2); short protein forms Y466*, Y652*, Y629*, Y643*, Y624*, Y658*, Y677*, Y686*.
Identifiers: ClinVar variation 4725519 (VCV004725519.1).

ClinVar aggregate classification (germline): Uncertain significance (1 of 4 stars; one submission).

Submission:

Labcorp Genetics (formerly Invitae), Labcorp
Classification: Uncertain significance. Last evaluated: 2025-08-25. Review status: criteria provided, single submitter. Criteria: Invitae Variant Classification Sherloc (09022015). Collection method: clinical testing. Allele origin: germline.
Comment: This sequence change creates a premature translational stop signal (p.Tyr686*) in the IFT88 gene. It is expected to result in an absent or disrupted protein product. However, the current clinical and genetic evidence is not sufficient to establish whether loss-of-function variants in IFT88 cause disease. This variant is not present in population databases (gnomAD no frequency). This variant has not been reported in the literature in individuals affected with IFT88-related conditions. Experimental studies and prediction algorithms are not available or were not evaluated, and the functional significance of this variant is currently unknown. In summary, the available evidence is currently insufficient to determine the role of this variant in disease. Therefore, it has been classified as a Variant of Uncertain Significance.